The following is an entry in ClinVar:

NM_024915.4(GRHL2):c.1098+9C>T

Gene: GRHL2 (grainyhead like transcription factor 2; plus strand). Cytogenetic location: 8q22.3.
Variant type: single nucleotide variant.
Coding change: c.1098+9C>T on transcript NM_024915.4 (MANE Select); 9 bases into the intron after coding-DNA position 1098, C replaced by T.
Molecular consequence: intron variant.
Genome position (GRCh38, 1-based): chr8:101,599,160, C>T. VCF-style: chr8-101599160-C-T. GRCh37 (hg19) VCF-style: chr8-102611388-C-T.
Other names: c.1050+9C>T (NM_001330593.2).
Identifiers: ClinVar variation 46214 (VCV000046214.44), dbSNP rs189993760, ClinGen allele CA137888.

ClinVar aggregate classification (germline): Benign/Likely benign. Review status: criteria provided, multiple submitters, no conflicts (2 of 4 stars). 8 submissions from 8 submitters: Benign (4); Likely benign (4). Last evaluated 2026-06-01.

Conditions:
Autosomal dominant nonsyndromic hearing loss 28. Identifiers: Orphanet 90635, MedGen C1837640, MONDO:0012083, OMIM 608641.
Nail and teeth abnormalities-marginal palmoplantar keratoderma-oral hyperpigmentation syndrome. Also called: Ectodermal dysplasia/short stature syndrome. Identifiers: Orphanet 423454, MedGen C4014987, MONDO:0014460, OMIM 616029.
Corneal dystrophy, posterior polymorphous, 4. Identifiers: MedGen C4747961, MONDO:0054832, OMIM 618031.

Allele frequency attached by ClinVar (database versions not stated): 1000 Genomes Project 0.00180; 1000 Genomes Project 30x 0.00187; gnomAD exomes 0.00331 and 0.00547; TOPMed 0.00351; gnomAD 0.00364 and 0.00370; ExAC 0.00365; ESP Exome Variant Server 0.00438.
gnomAD v4.1: 8,093 of 1,549,974 alleles (0.52%); highest among the groups gnomAD compares: Non-Finnish European, 0.67%; 26 homozygotes.

Submissions (8):

CeGaT Center for Human Genetics Tuebingen
Classification: Likely benign. Last evaluated: 2026-06-01. Review status: criteria provided, single submitter. Criteria: CeGaT Center For Human Genetics Tuebingen Variant Classification Criteria Version 2. Collection method: clinical testing. Allele origin: germline. Affected: yes. Observed: 13 variant alleles.
Comment: GRHL2: BS2

Labcorp Genetics (formerly Invitae), Labcorp
Classification: Benign. Last evaluated: 2026-01-27. Review status: criteria provided, single submitter. Criteria: Invitae Variant Classification Sherloc (09022015). Collection method: clinical testing. Allele origin: germline.

Blueprint Genetics
Classification: Likely benign. Last evaluated: 2024-11-23. Review status: criteria provided, single submitter. Criteria: ACMG Guidelines, 2015. Collection method: clinical testing. Allele origin: germline.

Fulgent Genetics
Classification: Likely benign for Autosomal dominant nonsyndromic hearing loss 28; Nail and teeth abnormalities-marginal palmoplantar keratoderma-oral hyperpigmentation syndrome; Corneal dystrophy, posterior polymorphous, 4. Last evaluated: 2021-09-15. Review status: criteria provided, single submitter. Criteria: ACMG Guidelines, 2015. Collection method: clinical testing. Allele origin: unknown.

GeneDx
Classification: Likely benign. Last evaluated: 2018-02-19. Review status: criteria provided, single submitter. Criteria: GeneDx Variant Classification (06012015). Collection method: clinical testing. Allele origin: germline. Affected: yes.
Comment: This variant is considered likely benign or benign based on one or more of the following criteria: it is a conservative change, it occurs at a poorly conserved position in the protein, it is predicted to be benign by multiple in silico algorithms, and/or has population frequency not consistent with disease.

Eurofins Ntd Llc (ga)
Classification: Benign. Last evaluated: 2017-04-04. Review status: criteria provided, single submitter. Criteria: EGL Classification Definitions 2015. Collection method: clinical testing. Allele origin: germline. Observed: 1 variant allele, 1 heterozygote.

Laboratory for Molecular Medicine, Mass General Brigham Personalized Medicine
Classification: Benign. Last evaluated: 2012-04-30. Review status: criteria provided, single submitter. Criteria: LMM Criteria. Collection method: clinical testing. Allele origin: germline. Observed: 7 variant alleles.
Comment: 1098+9C>T in Intron 08 of GRHL2: This variant is not expected to have clinical s ignificance because it is not located within the conserved splice consensus sequ ence and has been identified in 0.6% (45/7020) of European American chromosomes from a broad population by the NHLBI Exome Sequencing Project.

PreventionGenetics, part of Exact Sciences
Classification: Benign. Review status: criteria provided, single submitter. Criteria: ACMG Guidelines, 2015. Collection method: clinical testing. Allele origin: germline.